The following is an entry in ClinVar:

NM_001113378.2(FANCI):c.1294A>G (p.Ile432Val)

Gene: FANCI (FA complementation group I; plus strand). Cytogenetic location: 15q26.1.
Variant type: single nucleotide variant.
Coding change: c.1294A>G on transcript NM_001113378.2 (MANE Select); coding-DNA position 1294, A replaced by G.
Protein change: p.Ile432Val; replaces isoleucine 432 with valine.
Molecular consequence: missense variant.
Genome position (GRCh38, 1-based): chr15:89,278,687, A>G. VCF-style: chr15-89278687-A-G. GRCh37 (hg19) VCF-style: chr15-89821918-A-G.
Other names: c.1015A>G, p.Ile339Val (NM_001376910.1); c.1294A>G, p.Ile432Val (NM_001376911.1, NM_018193.3); short protein forms I339V, I432V.
Identifiers: ClinVar variation 1445387 (VCV001445387.4), dbSNP rs1387369541, ClinGen allele CA393743076.

ClinVar aggregate classification (germline): Uncertain significance. Review status: criteria provided, multiple submitters, no conflicts (2 of 4 stars). 2 submissions from 2 submitters: Uncertain significance (2). Last evaluated 2022-12-02.

Conditions:
Fanconi anemia (FA). Also called: Fanconi's anemia. Identifiers: Orphanet 84, MedGen C0015625, MeSH D005199, MONDO:0019391.

Allele frequency attached by ClinVar (database versions not stated): gnomAD exomes below 0.00001.
gnomAD v4.1: 2 of 1,611,766 alleles (0.00012%); highest among the groups gnomAD compares: African/African-American, 0.0013%; no homozygotes.

Submissions (2):

Blueprint Genetics
Classification: Uncertain significance. Last evaluated: 2022-12-02. Review status: criteria provided, single submitter. Criteria: ACMG Guidelines, 2015. Collection method: clinical testing. Allele origin: germline.

Labcorp Genetics (formerly Invitae), Labcorp
Classification: Uncertain significance for Fanconi anemia. Last evaluated: 2022-07-19. Review status: criteria provided, single submitter. Criteria: Invitae Variant Classification Sherloc (09022015). Collection method: clinical testing. Allele origin: germline.
Comment: This sequence change replaces isoleucine, which is neutral and non-polar, with valine, which is neutral and non-polar, at codon 432 of the FANCI protein (p.Ile432Val). This variant is not present in population databases (gnomAD no frequency). This variant has not been reported in the literature in individuals affected with FANCI-related conditions. ClinVar contains an entry for this variant (Variation ID: 1445387). Algorithms developed to predict the effect of missense changes on protein structure and function output the following: SIFT: "Tolerated"; PolyPhen-2: "Benign"; Align-GVGD: "Class C0". The valine amino acid residue is found in multiple mammalian species, which suggests that this missense change does not adversely affect protein function. In summary, the available evidence is currently insufficient to determine the role of this variant in disease. Therefore, it has been classified as a Variant of Uncertain Significance.